The following is an entry in ClinVar:

ClinVar aggregate classification (germline): Uncertain significance. Review status: criteria provided, multiple submitters, no conflicts (2 of 4 stars). 3 submissions from 3 submitters: Uncertain significance (3). Last evaluated 2026-08-06.

Conditions:
Inborn genetic diseases. Identifiers: MedGen C0950123, MeSH D030342.
TJP2-related disorder. Also called: TJP2-related condition.

Allele frequency attached by ClinVar (database versions not stated): gnomAD below 0.00001 and 0.00003; TOPMed below 0.00001; ExAC 0.00004; gnomAD exomes 0.00005; 1000 Genomes Project 30x 0.00016.
gnomAD v4.1: 40 of 1,614,204 alleles (0.0025%); highest among the groups gnomAD compares: South Asian, 0.044%; no homozygotes.

Submissions (3):

PreventionGenetics, part of Exact Sciences
Classification: Uncertain significance for TJP2-related condition. Last evaluated: 2026-08-06. Review status: criteria provided, single submitter. Criteria: ACMG Guidelines, 2015. Collection method: clinical testing. Allele origin: germline.
Comment: The TJP2 c.1923G>C variant is predicted to result in the amino acid substitution p.Lys641Asn. To our knowledge, this variant has not been reported in the literature. This variant is reported in 0.042% of alleles in individuals of South Asian descent in gnomAD. At this time, the clinical significance of this variant is uncertain due to the absence of conclusive functional and genetic evidence.

Ambry Genetics
Classification: Uncertain significance for Inborn genetic diseases. Last evaluated: 2025-11-26. Review status: criteria provided, single submitter. Criteria: Ambry Variant Classification Scheme 2023. Collection method: clinical testing. Allele origin: germline.

Eurofins Ntd Llc (ga)
Classification: Uncertain significance. Last evaluated: 2017-11-30. Review status: criteria provided, single submitter. Criteria: EGL Classification Definitions 2015. Collection method: clinical testing. Allele origin: germline. Observed: 1 variant allele, 1 heterozygote.

NM_004817.4(TJP2):c.1923G>C (p.Lys641Asn)

Gene: TJP2 (tight junction protein 2; plus strand). Cytogenetic location: 9q21.11.
Variant type: single nucleotide variant.
Coding change: c.1923G>C on transcript NM_004817.4 (MANE Select); coding-DNA position 1923, G replaced by C.
Protein change: p.Lys641Asn; replaces lysine 641 with asparagine.
Molecular consequence: missense variant.
Genome position (GRCh38, 1-based): chr9:69,236,170, G>C. VCF-style: chr9-69236170-G-C. GRCh37 (hg19) VCF-style: chr9-71851086-G-C.
Other names: c.1854G>C, p.Lys618Asn (NM_001170414.2, NM_001369871.1); c.1935G>C, p.Lys645Asn (NM_001170415.1, NM_001369874.1, NM_001369875.1); c.2016G>C, p.Lys672Asn (NM_001170416.2); c.1848G>C, p.Lys616Asn (NM_001369870.1); c.1923G>C, p.Lys641Asn (NM_001369872.1, NM_001369873.1, NM_201629.3 and 1 more transcripts); c.1923G>C (NM_004817.3); short protein forms K641N, K672N, K616N, K618N, K645N.
Identifiers: ClinVar variation 595069 (VCV000595069.9), dbSNP rs530082663, ClinGen allele CA5073517.